The following is an entry in ClinVar:

ClinVar aggregate classification (germline): Uncertain significance (1 of 4 stars; one submission).

Conditions:
Hypertrophic cardiomyopathy. Also called: HYPERTROPHIC MYOCARDIOPATHY. Identifiers: Orphanet 217569, MedGen C0007194, MeSH D002312, MONDO:0005045, HP:0001639.

Submission:

Labcorp Genetics (formerly Invitae), Labcorp
Classification: Uncertain significance for Hypertrophic cardiomyopathy. Last evaluated: 2021-08-13. Review status: criteria provided, single submitter. Criteria: Invitae Variant Classification Sherloc (09022015). Collection method: clinical testing. Allele origin: germline.
Comment: This sequence change replaces asparagine with lysine at codon 911 of the MYH7 protein (p.Asn911Lys). The asparagine residue is highly conserved and there is a moderate physicochemical difference between asparagine and lysine. In summary, the available evidence is currently insufficient to determine the role of this variant in disease. Therefore, it has been classified as a Variant of Uncertain Significance. This variant is found within a region of MYH7 between codons 181 and 937 that contains the majority of the myosin head domain. Missense variants in this region have been shown to be significantly overrepresented in individuals with hypertrophic cardiomyopathy (PMID: 27532257). Algorithms developed to predict the effect of missense changes on protein structure and function are either unavailable or do not agree on the potential impact of this missense change (SIFT: "Deleterious"; PolyPhen-2: "Benign"; Align-GVGD: "Class C65"). This missense change has been observed in individual(s) with hypertrophic cardiomyopathy (Invitae). This variant is not present in population databases (ExAC no frequency).

Literature cited by the submitters: PubMed 27532257.

NM_000257.4(MYH7):c.2733C>A (p.Asn911Lys)

Gene: MYH7 (myosin heavy chain 7; minus strand). Cytogenetic location: 14q11.2.
Variant type: single nucleotide variant.
Coding change: c.2733C>A on transcript NM_000257.4 (MANE Select); coding-DNA position 2733, C replaced by A.
Protein change: p.Asn911Lys; replaces asparagine 911 with lysine.
Molecular consequence: missense variant.
Genome position (GRCh38, 1-based): chr14:23,424,096, G>T on the plus strand (C>A on the coding strand, the complement: MYH7 is on the minus strand). VCF-style: chr14-23424096-G-T. GRCh37 (hg19) VCF-style: chr14-23893305-G-T.
Other names: short protein forms N911K.
Identifiers: ClinVar variation 1467571 (VCV001467571.6), dbSNP rs1892596079, ClinGen allele CA389047234.